The following is an entry in ClinVar:

NM_000612.6(IGF2):c.181C>T (p.Arg61Cys)

Genes: IGF2 (insulin like growth factor 2; minus strand), INS-IGF2 (INS-IGF2 readthrough; minus strand). Cytogenetic location: 11p15.5.
Variant type: single nucleotide variant.
Coding change: c.181C>T on transcript NM_000612.6 (MANE Select); coding-DNA position 181, C replaced by T.
Protein change: p.Arg61Cys; replaces arginine 61 with cysteine.
Molecular consequence: missense variant. On other transcripts: non-coding transcript variant (1).
Genome position (GRCh38, 1-based): chr11:2,133,642, G>A on the plus strand (C>T on the coding strand, the complement: IGF2 is on the minus strand). VCF-style: chr11-2133642-G-A. GRCh37 (hg19) VCF-style: chr11-2154872-G-A.
Other names: c.181C>T, p.Arg61Cys (NM_001007139.6, NM_001291861.3, NM_001291862.3); c.349C>T, p.Arg117Cys (NM_001127598.3); short protein forms R117C, R61C.
Identifiers: ClinVar variation 3055661 (VCV003055661.3), dbSNP rs2495576986, ClinGen allele CA379113689.

ClinVar aggregate classification (germline): Uncertain significance. Review status: criteria provided, single submitter (1 of 4 stars). 2 submissions from 2 submitters: Uncertain significance (1). 1 of the submissions does not count toward it. Last evaluated 2025-09-21.

Conditions:
IGF2-related disorder. Also called: IGF2-related condition.

Allele frequency attached by ClinVar (database versions not stated): gnomAD exomes below 0.00001.
gnomAD v4.1: 1 of 1,612,996 alleles (0.000062%); highest among the groups gnomAD compares: African/African-American, 0.0013%; no homozygotes.

Submissions (2):

GeneDx
Classification: Uncertain significance. Last evaluated: 2025-09-21. Review status: criteria provided, single submitter. Criteria: GeneDx Variant Classification Process June 2021. Collection method: clinical testing. Allele origin: germline. Affected: yes.
Comment: Not observed at significant frequency in large population cohorts (gnomAD); In silico analysis supports that this missense variant has a deleterious effect on protein structure/function; Has not been previously published as pathogenic or benign to our knowledge

PreventionGenetics, part of Exact Sciences
Classification: Uncertain significance for IGF2-related condition. Last evaluated: 2024-02-15. Review status: no assertion criteria provided. Collection method: clinical testing. Allele origin: germline. Not counted in ClinVar's aggregate classification.
Comment: The IGF2 c.181C>T variant is predicted to result in the amino acid substitution p.Arg61Cys. To our knowledge, this variant has not been reported in the literature or in a large population database, indicating this variant is rare. At this time, the clinical significance of this variant is uncertain due to the absence of conclusive functional and genetic evidence.